The following is an entry in ClinVar:

ClinVar aggregate classification (germline): Uncertain significance (1 of 4 stars; one submission).

Allele frequency attached by ClinVar (database versions not stated): gnomAD exomes below 0.00001.
gnomAD v4.1: 2 of 1,542,860 alleles (0.00013%); highest among the groups gnomAD compares: South Asian, 0.0022%; no homozygotes.

Submission:

Ambry Genetics
Classification: Uncertain significance. Last evaluated: 2022-03-07. Review status: criteria provided, single submitter. Criteria: Ambry Variant Classification Scheme 2023. Collection method: clinical testing. Allele origin: germline.
Comment: The p.N922I variant (also known as c.2765A>T), located in coding exon 25 of the IKBKAP gene, results from an A to T substitution at nucleotide position 2765. The asparagine at codon 922 is replaced by isoleucine, an amino acid with dissimilar properties. This amino acid position is conserved. In addition, the in silico prediction for this alteration is inconclusive. Since supporting evidence is limited at this time, the clinical significance of this alteration remains unclear.

NM_003640.5(ELP1):c.2765A>T (p.Asn922Ile)

Gene: ELP1 (elongator acetyltransferase complex subunit 1; minus strand). Cytogenetic location: 9q31.3.
Variant type: single nucleotide variant.
Coding change: c.2765A>T on transcript NM_003640.5 (MANE Select); coding-DNA position 2765, A replaced by T.
Protein change: p.Asn922Ile; replaces asparagine 922 with isoleucine.
Molecular consequence: missense variant.
Genome position (GRCh38, 1-based): chr9:108,894,038, T>A on the plus strand (A>T on the coding strand, the complement: ELP1 is on the minus strand). VCF-style: chr9-108894038-T-A. GRCh37 (hg19) VCF-style: chr9-111656318-T-A.
Other names: c.2423A>T, p.Asn808Ile (NM_001318360.2); c.1718A>T, p.Asn573Ile (NM_001330749.2); short protein forms N573I, N808I, N922I.
Identifiers: ClinVar variation 1800007 (VCV001800007.2), dbSNP rs2537884505, ClinGen allele CA374419054.
Genomic context (GRCh38, chr9:108,894,038, plus strand): 5'-CGTTTCAAGTATTTGTCTATAGTAAACCGCTGATAATTAGTTTCCATTTTCTTAAGTGTA[T>A]TAAGAAATGGAAGATATTCTTTGGGATCCTAAAAAAATGATTAATGAGAACTTTATTACT-3'
Protein context (NP_003631.2, residues 912-932): KDPKEYLPFL[Asn922Ile]TLKKMETNYQ